The following is an entry in ClinVar:

NM_006245.4(PPP2R5D):c.427G>A (p.Glu143Lys)

Gene: PPP2R5D (protein phosphatase 2 regulatory subunit B'delta; plus strand). Cytogenetic location: 6p21.1.
Variant type: single nucleotide variant.
Coding change: c.427G>A on transcript NM_006245.4 (MANE Select); coding-DNA position 427, G replaced by A.
Protein change: p.Glu143Lys; replaces glutamic acid 143 with lysine.
Molecular consequence: missense variant. On other transcripts: 5 prime UTR variant (1).
Genome position (GRCh38, 1-based): chr6:43,007,015, G>A. VCF-style: chr6-43007015-G-A. GRCh37 (hg19) VCF-style: chr6-42974753-G-A.
Other names: c.-27G>A (NM_001270476.2); c.331G>A, p.Glu111Lys (NM_180976.3); c.109G>A, p.Glu37Lys (NM_180977.3); short protein forms E111K, E37K, E143K.
Identifiers: ClinVar variation 4712148 (VCV004712148.1).

ClinVar aggregate classification (germline): Uncertain significance (1 of 4 stars; one submission).

Submission:

Labcorp Genetics (formerly Invitae), Labcorp
Classification: Uncertain significance. Last evaluated: 2025-02-02. Review status: criteria provided, single submitter. Criteria: Invitae Variant Classification Sherloc (09022015). Collection method: clinical testing. Allele origin: germline.
Comment: This sequence change replaces glutamic acid, which is acidic and polar, with lysine, which is basic and polar, at codon 143 of the PPP2R5D protein (p.Glu143Lys). This variant is not present in population databases (gnomAD no frequency). This variant has not been reported in the literature in individuals affected with PPP2R5D-related conditions. An algorithm developed to predict the effect of missense changes on protein structure and function (PolyPhen-2) suggests that this variant is likely to be disruptive. In summary, the available evidence is currently insufficient to determine the role of this variant in disease. Therefore, it has been classified as a Variant of Uncertain Significance.